The following is an entry in ClinVar:

ClinVar aggregate classification (germline): Pathogenic (1 of 4 stars; one submission).

Submission:

GeneDx
Classification: Pathogenic. Last evaluated: 2016-12-06. Review status: criteria provided, single submitter. Criteria: GeneDx Variant Classification (06012015). Collection method: clinical testing. Allele origin: germline. Affected: yes.
Comment: The c.7655dupC pathogenic variant in the CHD7 gene has been reported previously in association with CHARGE syndrome (Vuorela et al., 2007). The c.7655dupC variant was not observed in approximately 6,000 individuals of European and African American ancestry in the NHLBI Exome Sequencing Project, indicating it is not a common benign variant in these populations. The duplication causes a frameshift starting with codon Proline 2553, changes this amino acid to a Threonine residue and creates a premature Stop codon at position 23 of the new reading frame, denoted p.Pro2553ThrfsX23. This pathogenic variant is predicted to cause loss of normal protein function either through protein truncation or nonsense-mediated mRNA decay.

NM_017780.4(CHD7):c.7655dup (p.Pro2553fs)

Gene: CHD7 (chromodomain helicase DNA binding protein 7; plus strand). Cytogenetic location: 8q12.2.
Variant type: Duplication.
Coding change: c.7655dup on transcript NM_017780.4 (MANE Select); coding-DNA position 7655, one base duplicated (C; older notation c.7655dupC).
Protein change: p.Pro2553fs; shifts the reading frame from proline 2553.
Molecular consequence: frameshift variant. On other transcripts: intron variant (1).
Genome position (GRCh38, 1-based): chr8:60,860,950, C duplicated; the last of 4 consecutive C bases (chr8:60,860,947-60,860,950); duplicating any one gives the same sequence. VCF-style (leftmost placement, unchanged base first): chr8-60860946-A-AC. GRCh37 (hg19) VCF-style: chr8-61773505-A-AC.
Other names: c.1717-1279dup (NM_001316690.1); c.7655dup (LRG_176t1); short protein forms P2553fs.
Identifiers: ClinVar variation 372739 (VCV000372739.2), dbSNP rs1057517957, ClinGen allele CA16042743.